The following is an entry in ClinVar:

NM_032043.3(BRIP1):c.3061C>T (p.Pro1021Ser)

Gene: BRIP1 (BRCA1 interacting DNA helicase 1; minus strand). Cytogenetic location: 17q23.2.
Variant type: single nucleotide variant.
Coding change: c.3061C>T on transcript NM_032043.3 (MANE Select); coding-DNA position 3061, C replaced by T.
Protein change: p.Pro1021Ser; replaces proline 1021 with serine.
Molecular consequence: missense variant.
Genome position (GRCh38, 1-based): chr17:61,683,985, G>A on the plus strand (C>T on the coding strand, the complement: BRIP1 is on the minus strand). VCF-style: chr17-61683985-G-A. GRCh37 (hg19) VCF-style: chr17-59761346-G-A.
Other names: short protein forms P1021S.
Identifiers: ClinVar variation 483215 (VCV000483215.15), dbSNP rs1555572880, ClinGen allele CA400479890.
Genomic context (GRCh38, chr17:61,683,985, plus strand): 5'-TCTTCTCTGTTTTGAAACGGGGAGGACTAGAGGCACTATTCTCTGATGACCCGAGCTCAG[G>A]TGTTGCCTTCGGTATTTTACCAGTAAAATACTGTCCCAAAGAATTAAAGCTTGACCAGCT-3'
Protein context (NP_114432.2, residues 1011-1031): YFTGKIPKAT[Pro1021Ser]ELGSSENSAS

ClinVar aggregate classification (germline): Uncertain significance. Review status: criteria provided, multiple submitters, no conflicts (2 of 4 stars). 3 submissions from 3 submitters: Uncertain significance (3). Last evaluated 2025-05-17.

Conditions:
Hereditary cancer-predisposing syndrome. Also called: Hereditary neoplastic syndrome; Neoplastic Syndromes, Hereditary; Tumor predisposition; Hereditary Cancer Syndrome. Identifiers: Orphanet 140162, MedGen C0027672, MeSH D009386, MONDO:0015356.
Fanconi anemia complementation group J. Also called: BRIP1-Related Fanconi Anemia. Identifiers: Orphanet 84, MedGen C1836860, MONDO:0012187, OMIM 609054.
Familial cancer of breast. Also called: BREAST CANCER, FAMILIAL; Hereditary breast cancer; hereditary breast carcinoma. Identifiers: Orphanet 227535, MedGen C0346153, MONDO:0016419, OMIM 114480. Disease mechanism: loss of function.

Submissions (3):

Ambry Genetics
Classification: Uncertain significance for Hereditary cancer-predisposing syndrome. Last evaluated: 2025-05-17. Review status: criteria provided, single submitter. Criteria: Ambry Variant Classification Scheme 2023. Collection method: clinical testing. Allele origin: germline.
Comment: The p.P1021S variant (also known as c.3061C>T), located in coding exon 19 of the BRIP1 gene, results from a C to T substitution at nucleotide position 3061. The proline at codon 1021 is replaced by serine, an amino acid with similar properties. This amino acid position is highly conserved in available vertebrate species. In addition, the in silico prediction for this alteration is inconclusive. Since supporting evidence is limited at this time, the clinical significance of this alteration remains unclear.

Labcorp Genetics (formerly Invitae), Labcorp
Classification: Uncertain significance for Familial cancer of breast; Fanconi anemia complementation group J. Last evaluated: 2024-12-07. Review status: criteria provided, single submitter. Criteria: Invitae Variant Classification Sherloc (09022015). Collection method: clinical testing. Allele origin: germline.
Comment: This sequence change replaces proline, which is neutral and non-polar, with serine, which is neutral and polar, at codon 1021 of the BRIP1 protein (p.Pro1021Ser). This variant is not present in population databases (gnomAD no frequency). This variant has not been reported in the literature in individuals affected with BRIP1-related conditions. ClinVar contains an entry for this variant (Variation ID: 483215). Invitae Evidence Modeling of protein sequence and biophysical properties (such as structural, functional, and spatial information, amino acid conservation, physicochemical variation, residue mobility, and thermodynamic stability) indicates that this missense variant is not expected to disrupt BRIP1 protein function with a negative predictive value of 95%. In summary, the available evidence is currently insufficient to determine the role of this variant in disease. Therefore, it has been classified as a Variant of Uncertain Significance.

Color Diagnostics, LLC DBA Color Health
Classification: Uncertain significance for Hereditary cancer-predisposing syndrome. Last evaluated: 2023-03-15. Review status: criteria provided, single submitter. Criteria: ACMG Guidelines, 2015. Collection method: clinical testing. Allele origin: germline.
Comment: This missense variant replaces proline with serine at codon 1021 of the BRIP1 protein. Computational prediction suggests that this variant may not impact protein structure and function (internally defined REVEL score threshold <= 0.5, PMID: 27666373). To our knowledge, functional studies have not been reported for this variant. This variant has not been reported in individuals affected with BRIP1-related disorders in the literature. This variant has not been identified in the general population by the Genome Aggregation Database (gnomAD). The available evidence is insufficient to determine the role of this variant in disease conclusively. Therefore, this variant is classified as a Variant of Uncertain Significance.